The following is an entry in ClinVar:

ClinVar aggregate classification (germline): Uncertain significance (1 of 4 stars; one submission).

Conditions:
Sulfite oxidase deficiency due to molybdenum cofactor deficiency type A. Also called: Molybdenum Cofactor Deficiency A; Molybdenum cofactor deficiency, complementation group A. Identifiers: Orphanet 308386, Orphanet 833, MedGen C1854988, MONDO:0009643, OMIM 252150.

Submission:

Institute of Human Genetics, University of Leipzig Medical Center
Classification: Uncertain significance for Sulfite oxidase deficiency due to molybdenum cofactor deficiency type A. Last evaluated: 2025-03-04. Review status: criteria provided, single submitter. Criteria: ACMG Guidelines, 2015. Collection method: clinical testing. Allele origin: inherited. Inheritance: Autosomal recessive inheritance. Affected: yes.
Comment: Criteria applied: PVS1_MOD, PM2

NM_001358530.2(MOCS1):c.1755_1764del (p.Pro586fs)

Gene: MOCS1 (molybdenum cofactor synthesis 1; minus strand). Cytogenetic location: 6p21.2.
Variant type: Deletion.
Coding change: c.1755_1764del on transcript NM_001358530.2 (MANE Select); coding-DNA positions 1755 to 1764, 10 bases deleted (CCCCACCGGG; older notation c.1755_1764delCCCCACCGGG).
Protein change: p.Pro586fs; shifts the reading frame from proline 586.
Molecular consequence: frameshift variant. On other transcripts: 3 prime UTR variant (4), non-coding transcript variant (1).
Genome position (GRCh38, 1-based): chr6:39,906,504-39,906,513, CCCGGTGGGG deleted on the plus strand (CCCCACCGGG on the coding strand, the reverse complement: MOCS1 is on the minus strand); deleting any 10 consecutive bases within chr6:39,906,504-39,906,516 gives the same sequence; the c. name uses the placement nearest the transcript's 3' end. VCF-style (leftmost placement, unchanged base first): chr6-39906503-CCCCGGTGGGG-C. GRCh37 (hg19) VCF-style: chr6-39874279-CCCCGGTGGGG-C.
Other names: c.*612_*621del (NM_001075098.4, NM_001358533.2, NM_001358534.2 and 1 more transcripts); c.1707_1716del, p.Pro570fs (NM_001358529.2); c.1494_1503del, p.Pro499fs (NM_001358531.2); short protein forms P499fs, P570fs, P586fs.
Identifiers: ClinVar variation 3773709 (VCV003773709.2).